The following is an entry in ClinVar:

ClinVar aggregate classification (germline): Conflicting classifications of pathogenicity. Review status: criteria provided, conflicting classifications (1 of 4 stars). 2 submissions from 2 submitters: Uncertain significance (1); Likely benign (1). Last evaluated 2023-03-23.

Conditions:
Hereditary cancer-predisposing syndrome. Also called: Neoplastic Syndromes, Hereditary; Tumor predisposition; Hereditary Cancer Syndrome; Hereditary neoplastic syndrome. Identifiers: Orphanet 140162, MedGen C0027672, MeSH D009386, MONDO:0015356.
Hereditary breast ovarian cancer syndrome. Also called: Breast and ovarian cancer; BRCA1- and BRCA2-Associated Hereditary Breast and Ovarian Cancer; Hereditary breast and ovarian cancer; Hereditary breast and ovarian cancer syndrome (HBOC); Hereditary breast and/or ovarian cancer syndrome; Hereditary breast and ovarian cancer syndrome. Identifiers: Orphanet 145, MedGen C0677776, MeSH D061325, MONDO:0003582. Disease mechanism: loss of function.

Submissions (2):

University of Washington Department of Laboratory Medicine, University of Washington
Classification: Likely benign for Hereditary cancer-predisposing syndrome. Last evaluated: 2023-03-23. Review status: criteria provided, single submitter. Criteria: Dines et al. (Genet Med. 2020). Collection method: curation. Allele origin: germline.
Comment: Missense variant in a coldspot region where missense variants are very unlikely to be pathogenic (PMID:31911673).

BRCA2 exon 11 coldspot. Reclassification based on statistical prior probability.

Labcorp Genetics (formerly Invitae), Labcorp
Classification: Uncertain significance for Hereditary breast ovarian cancer syndrome. Last evaluated: 2018-09-19. Review status: criteria provided, single submitter. Criteria: Invitae Variant Classification Sherloc (09022015). Collection method: clinical testing. Allele origin: germline.
Comment: In summary, the available evidence is currently insufficient to determine the role of this variant in disease. Therefore, it has been classified as a Variant of Uncertain Significance. Algorithms developed to predict the effect of missense changes on protein structure and function output the following: SIFT: "Tolerated"; PolyPhen-2: "Benign"; Align-GVGD: "Class C0". The serine amino acid residue is found in multiple mammalian species, suggesting that this missense change does not adversely affect protein function. These predictions have not been confirmed by published functional studies and their clinical significance is uncertain. This variant has not been reported in the literature in individuals with BRCA2-related disease. This variant is not present in population databases (ExAC no frequency). This sequence change replaces leucine with serine at codon 1042 of the BRCA2 protein (p.Leu1042Ser). The leucine residue is weakly conserved and there is a large physicochemical difference between leucine and serine.

NM_000059.4(BRCA2):c.3125T>C (p.Leu1042Ser)

Gene: BRCA2 (BRCA2 DNA repair associated; plus strand). Cytogenetic location: 13q13.1.
Variant type: single nucleotide variant.
Coding change: c.3125T>C on transcript NM_000059.4 (MANE Select); coding-DNA position 3125, T replaced by C.
Protein change: p.Leu1042Ser; replaces leucine 1042 with serine.
Molecular consequence: missense variant.
Genome position (GRCh38, 1-based): chr13:32,337,480, T>C. VCF-style: chr13-32337480-T-C. GRCh37 (hg19) VCF-style: chr13-32911617-T-C.
Other names: short protein forms L1042S.
Identifiers: ClinVar variation 650841 (VCV000650841.10), dbSNP rs1593898642, ClinGen allele CA387775714.